The following is an entry in ClinVar:

NM_001605.3(AARS1):c.1102C>T (p.Pro368Ser)

Gene: AARS1 (alanyl-tRNA synthetase 1; minus strand). Cytogenetic location: 16q22.1.
Variant type: single nucleotide variant.
Coding change: c.1102C>T on transcript NM_001605.3 (MANE Select); coding-DNA position 1102, C replaced by T.
Protein change: p.Pro368Ser; replaces proline 368 with serine.
Molecular consequence: missense variant.
Genome position (GRCh38, 1-based): chr16:70,267,779, G>A on the plus strand (C>T on the coding strand, the complement: AARS1 is on the minus strand). VCF-style: chr16-70267779-G-A. GRCh37 (hg19) VCF-style: chr16-70301682-G-A.
Other names: short protein forms P368S.
Identifiers: ClinVar variation 568982 (VCV000568982.15), dbSNP rs371184292, ClinGen allele CA8140918.

ClinVar aggregate classification (germline): Uncertain significance. Review status: criteria provided, multiple submitters, no conflicts (2 of 4 stars). 5 submissions from 5 submitters: Uncertain significance (3). 2 of the submissions do not count toward it. Last evaluated 2025-09-01.

Conditions:
Inborn genetic diseases. Identifiers: MedGen C0950123, MeSH D030342.
Charcot-Marie-Tooth disease type 2. Also called: Charcot-Marie-Tooth type 2. Identifiers: Orphanet 64746, MedGen C0270914, MONDO:0018993.

Allele frequency attached by ClinVar (database versions not stated): ExAC 0.00002; ESP Exome Variant Server 0.00008; gnomAD exomes 0.00001 and 0.00002; gnomAD 0.00003 and 0.00004; TOPMed 0.00002.

Submissions (5):

Ambry Genetics
Classification: Uncertain significance for Inborn genetic diseases. Last evaluated: 2025-09-01. Review status: criteria provided, single submitter. Criteria: Ambry Variant Classification Scheme 2023. Collection method: clinical testing. Allele origin: germline.

Labcorp Genetics (formerly Invitae), Labcorp
Classification: Uncertain significance for Charcot-Marie-Tooth disease type 2. Last evaluated: 2024-10-21. Review status: criteria provided, single submitter. Criteria: Invitae Variant Classification Sherloc (09022015). Collection method: clinical testing. Allele origin: germline.
Comment: This sequence change replaces proline, which is neutral and non-polar, with serine, which is neutral and polar, at codon 368 of the AARS protein (p.Pro368Ser). This variant is present in population databases (rs371184292, gnomAD 0.003%). This variant has not been reported in the literature in individuals affected with AARS-related conditions. ClinVar contains an entry for this variant (Variation ID: 568982). Invitae Evidence Modeling of protein sequence and biophysical properties (such as structural, functional, and spatial information, amino acid conservation, physicochemical variation, residue mobility, and thermodynamic stability) indicates that this missense variant is not expected to disrupt AARS protein function with a negative predictive value of 95%. In summary, the available evidence is currently insufficient to determine the role of this variant in disease. Therefore, it has been classified as a Variant of Uncertain Significance.

GeneDx
Classification: Uncertain significance. Last evaluated: 2019-05-31. Review status: criteria provided, single submitter. Criteria: GeneDx Variant Classification Process June 2021. Collection method: clinical testing. Allele origin: germline. Affected: yes.
Comment: Not observed at a significant frequency in large population cohorts (Lek et al., 2016); In silico analysis, which includes protein predictors and evolutionary conservation, supports a deleterious effect; Has not been previously published as pathogenic or benign to our knowledge

Clinical Genetics, Academic Medical Center
Classification: Uncertain significance. Review status: no assertion criteria provided. Collection method: clinical testing. Allele origin: germline. Affected: yes. Study: VKGL Data-share Consensus. Not counted in ClinVar's aggregate classification.

Genome Diagnostics Laboratory, University Medical Center Utrecht
Classification: Uncertain significance. Review status: no assertion criteria provided. Collection method: clinical testing. Allele origin: germline. Affected: yes. Study: VKGL Data-share Consensus. Not counted in ClinVar's aggregate classification.